The following is an entry in ClinVar:

ClinVar aggregate classification (germline): Likely pathogenic (1 of 4 stars; one submission).

Conditions:
RPS10-related disorder. Also called: RPS10-related condition.

Allele frequency attached by ClinVar (database versions not stated): gnomAD exomes below 0.00001.
gnomAD v4.1: 2 of 1,613,794 alleles (0.00012%); highest among the groups gnomAD compares: Non-Finnish European, 0.000085%; no homozygotes.

Submission:

PreventionGenetics, part of Exact Sciences
Classification: Likely pathogenic for RPS10-related condition. Last evaluated: 2023-04-11. Review status: criteria provided, single submitter. Criteria: ACMG Guidelines, 2015. Collection method: clinical testing. Allele origin: germline.
Comment: The RPS10 c.400+1G>A variant is predicted to disrupt the GT donor site and interfere with normal splicing. To our knowledge, this variant has not been reported in the literature or in a large population database, indicating this variant is rare. Variants that disrupt the consensus splice donor site in RPS10 are expected to be pathogenic. This variant is interpreted as likely pathogenic.

NM_001014.5(RPS10):c.400+1G>A

Genes: RPS10 (ribosomal protein S10; minus strand), RPS10-NUDT3 (RPS10-NUDT3 readthrough; minus strand). Cytogenetic location: 6p21.31.
Variant type: single nucleotide variant.
Coding change: c.400+1G>A on transcript NM_001014.5 (MANE Select); the canonical splice donor site of the intron after coding-DNA position 400, G replaced by A.
Molecular consequence: splice donor variant.
Genome position (GRCh38, 1-based): chr6:34,421,729, C>T on the plus strand (G>A on the coding strand, the complement: RPS10 is on the minus strand). VCF-style: chr6-34421729-C-T. GRCh37 (hg19) VCF-style: chr6-34389506-C-T.
Other names: c.400+1G>A (NM_001202470.3, NM_001204091.2, NM_001203245.3).
Identifiers: ClinVar variation 2633296 (VCV002633296.1), dbSNP rs2533019856, ClinGen allele CA363886500.
Genomic context (GRCh38, chr6:34,421,729, plus strand): 5'-AGCTGTGAGAATCCAGACATTTCACCCCAACACCCCTAATATAGGTGATGCATTTACTCA[C>T]GTGGCACAGCACTCCGTCTGTAGGTATCTCTGTCAGCTTCCCCTCTTGTGAGTCTCGCAG-3'